The following is an entry in ClinVar:

NM_002737.3(PRKCA):c.770del (p.Gly257fs)

Gene: PRKCA (protein kinase C alpha; plus strand). Cytogenetic location: 17q24.2.
Variant type: Deletion.
Coding change: c.770del on transcript NM_002737.3 (MANE Select); coding-DNA position 770, one base deleted (G; older notation c.770delG).
Protein change: p.Gly257fs; shifts the reading frame from glycine 257.
Molecular consequence: frameshift variant.
Genome position (GRCh38, 1-based): chr17:66,688,385, G deleted; the last of 3 consecutive G bases (chr17:66,688,383-66,688,385); deleting any one gives the same sequence. VCF-style (leftmost placement, unchanged base first): chr17-66688382-TG-T. GRCh37 (hg19) VCF-style: chr17-64684500-TG-T.
Other names: short protein forms G257fs.
Identifiers: ClinVar variation 3347647 (VCV003347647.1).
Genomic context (GRCh38, chr17:66,688,382, plus strand): 5'-AAGACCGACGACTGTCTGTAGAAATCTGGGACTGGGATCGAACAACAAGGAATGACTTCA[TG>T]GGATCCCTTTCCTTTGGAGTTTCGGAGCTGATGAAGATGCCGGCCAGTGGATGGTATGGA-3'

ClinVar aggregate classification (germline): Uncertain significance (0 of 4 stars; one submission).

Conditions:
PRKCA-related disorder. Also called: PRKCA-related condition.

Submission:

PreventionGenetics, part of Exact Sciences
Classification: Uncertain significance for PRKCA-related condition. Last evaluated: 2024-07-24. Review status: no assertion criteria provided. Collection method: clinical testing. Allele origin: germline.
Comment: The PRKCA c.770delG variant is predicted to result in a frameshift and premature protein termination (p.Gly257Aspfs*10). To our knowledge, this variant has not been reported in the literature or in a large population database, indicating this variant is rare. At this time, the clinical significance of this variant is uncertain due to the absence of conclusive functional and genetic evidence.